The following is an entry in ClinVar:

NM_000256.3(MYBPC3):c.2539dup (p.Tyr847fs)

Gene: MYBPC3 (myosin binding protein C3; minus strand). Cytogenetic location: 11p11.2.
Variant type: Duplication.
Coding change: c.2539dup on transcript NM_000256.3 (MANE Select); coding-DNA position 2539, one base duplicated (T; older notation c.2539dupT).
Protein change: p.Tyr847fs; shifts the reading frame from tyrosine 847.
Molecular consequence: frameshift variant.
Genome position (GRCh38, 1-based): chr11:47,337,454, A duplicated on the plus strand (T on the coding strand, the reverse complement: MYBPC3 is on the minus strand). VCF-style (leftmost placement, unchanged base first): chr11-47337453-T-TA. GRCh37 (hg19) VCF-style: chr11-47359004-T-TA.
Other names: short protein forms Y847fs.
Identifiers: ClinVar variation 4723272 (VCV004723272.1).

ClinVar aggregate classification (germline): Pathogenic (1 of 4 stars; one submission).

Conditions:
Hypertrophic cardiomyopathy. Also called: HYPERTROPHIC MYOCARDIOPATHY. Identifiers: Orphanet 217569, MedGen C0007194, MeSH D002312, MONDO:0005045, HP:0001639.

Submission:

Labcorp Genetics (formerly Invitae), Labcorp
Classification: Pathogenic for Hypertrophic cardiomyopathy. Last evaluated: 2025-07-15. Review status: criteria provided, single submitter. Criteria: Invitae Variant Classification Sherloc (09022015). Collection method: clinical testing. Allele origin: germline.
Comment: This sequence change creates a premature translational stop signal (p.Tyr847Leufs*37) in the MYBPC3 gene. It is expected to result in an absent or disrupted protein product. Loss-of-function variants in MYBPC3 are known to be pathogenic (PMID: 19574547). This variant is not present in population databases (gnomAD no frequency). This variant has not been reported in the literature in individuals affected with MYBPC3-related conditions. For these reasons, this variant has been classified as Pathogenic.

Literature cited by the submitters: PubMed 19574547.